The following is an entry in ClinVar:

ClinVar aggregate classification (germline): Conflicting classifications of pathogenicity. Review status: criteria provided, conflicting classifications (1 of 4 stars). 9 submissions from 8 submitters: Uncertain significance (7); Likely benign (2). Last evaluated 2026-06-16.

Conditions:
Hereditary cancer-predisposing syndrome. Also called: Hereditary neoplastic syndrome; Neoplastic Syndromes, Hereditary; Hereditary Cancer Syndrome; Tumor predisposition. Identifiers: Orphanet 140162, MedGen C0027672, MeSH D009386, MONDO:0015356.
PDGFRA-related disorder. Also called: PDGFRA-related condition.
Idiopathic hypereosinophilic syndrome (HES). Identifiers: Orphanet 3260, MedGen C0206141, MONDO:0011895, OMIM 607685. Disease mechanism: gain of function.
Gastrointestinal stromal tumor. Also called: Gastrointestinal stromal tumor, somatic; Gastrointestinal stroma tumor. Identifiers: Orphanet 44890, MedGen C0238198, MeSH D046152, MONDO:0011719, OMIM 606764, HP:0100723.
Polyps, multiple and recurrent inflammatory fibroid, gastrointestinal. Identifiers: MedGen C5193005, MONDO:0008285, OMIM 175510.

Allele frequency attached by ClinVar (database versions not stated): gnomAD 0.00001; gnomAD exomes 0.00001 and 0.00002; TOPMed 0.00001; ExAC 0.00002; ESP Exome Variant Server 0.00008.
gnomAD v4.1: 29 of 1,613,604 alleles (0.0018%); highest among the groups gnomAD compares: Non-Finnish European, 0.0023%; no homozygotes.

Submissions (9):

Myriad Genetics, Inc.
Classification: Likely benign for Polyps, multiple and recurrent inflammatory fibroid, gastrointestinal. Last evaluated: 2026-06-16. Review status: criteria provided, single submitter. Criteria: Myriad Autosomal Dominant, Autosomal Recessive and X-Linked Classification Criteria (2023). Collection method: clinical testing. Allele origin: unknown.
Comment: This variant is considered likely benign. This variant has been observed at a population frequency that is significantly greater than expected given the associated disease prevalence and penetrance.

Labcorp Genetics (formerly Invitae), Labcorp
Classification: Uncertain significance for Gastrointestinal stromal tumor. Last evaluated: 2026-01-13. Review status: criteria provided, single submitter. Criteria: Invitae Variant Classification Sherloc (09022015). Collection method: clinical testing. Allele origin: germline.
Comment: This sequence change replaces aspartic acid, which is acidic and polar, with glycine, which is neutral and non-polar, at codon 1064 of the PDGFRA protein (p.Asp1064Gly). This variant is present in population databases (rs375050626, gnomAD 0.003%). This variant has not been reported in the literature in individuals affected with PDGFRA-related conditions. ClinVar contains an entry for this variant (Variation ID: 348908). Invitae Evidence Modeling of protein sequence and biophysical properties (such as structural, functional, and spatial information, amino acid conservation, physicochemical variation, residue mobility, and thermodynamic stability) indicates that this missense variant is not expected to disrupt PDGFRA protein function with a negative predictive value of 80%. In summary, the available evidence is currently insufficient to determine the role of this variant in disease. Therefore, it has been classified as a Variant of Uncertain Significance.

Ambry Genetics
Classification: Uncertain significance for Hereditary cancer-predisposing syndrome. Last evaluated: 2025-08-14. Review status: criteria provided, single submitter. Criteria: Ambry Variant Classification Scheme 2023. Collection method: clinical testing. Allele origin: germline.
Comment: The p.D1064G variant (also known as c.3191A>G), located in coding exon 22 of the PDGFRA gene, results from an A to G substitution at nucleotide position 3191. The aspartic acid at codon 1064 is replaced by glycine, an amino acid with similar properties. This amino acid position is conserved. In addition, this alteration is predicted to be tolerated by in silico analysis. Since supporting evidence is limited at this time, the clinical significance of this alteration remains unclear.

PreventionGenetics, part of Exact Sciences
Classification: Uncertain significance for PDGFRA-related condition. Last evaluated: 2025-04-16. Review status: criteria provided, single submitter. Criteria: ACMG Guidelines, 2015. Collection method: clinical testing. Allele origin: germline.
Comment: The PDGFRA c.3191A>G variant is predicted to result in the amino acid substitution p.Asp1064Gly. To our knowledge, this variant has not been reported in the literature. This variant is reported in 0.0018% of alleles in individuals of European (Non-Finnish) descent in gnomAD and has conflicting interpretations regarding its pathogenicity in ClinVar, ranging from likely benign to uncertain. At this time, the clinical significance of this variant is uncertain due to the absence of conclusive functional and genetic evidence.

Baylor Genetics
Classification: Uncertain significance for Polyps, multiple and recurrent inflammatory fibroid, gastrointestinal. Last evaluated: 2023-08-17. Review status: criteria provided, single submitter. Criteria: ACMG Guidelines, 2015. Collection method: clinical testing. Allele origin: unknown.

GeneDx
Classification: Uncertain significance. Last evaluated: 2022-11-22. Review status: criteria provided, single submitter. Criteria: GeneDx Variant Classification Process June 2021. Collection method: clinical testing. Allele origin: germline. Affected: yes.
Comment: Not observed at significant frequency in large population cohorts (gnomAD); In silico analysis supports that this missense variant does not alter protein structure/function; Has not been previously published as pathogenic or benign to our knowledge

St. Jude Molecular Pathology, St. Jude Children's Research Hospital
Classification: Uncertain significance for Polyps, multiple and recurrent inflammatory fibroid, gastrointestinal. Last evaluated: 2022-08-30. Review status: criteria provided, single submitter. Criteria: St. Jude Assertion Criteria 2020. Collection method: clinical testing. Allele origin: germline.
Comment: The PDGFRA c.3191A>G (p.Asp1064Gly) missense change has a maximum subpopulation frequency of 0.0018% in gnomAD v2.1.1. The in silico tool REVEL predicts a benign effect on protein function, but to our knowledge this prediction has not been confirmed by functional studies. To our knowledge, this variant has not been reported in individuals with PDGFRA-associated tumors. In summary, the evidence currently available is insufficient to determine the clinical significance of this variant. It has therefore been classified as of uncertain significance.

Illumina Laboratory Services, Illumina
Classification: Uncertain significance for Gastrointestinal stromal tumor. Last evaluated: 2018-01-13. Review status: criteria provided, single submitter. Criteria: ICSL Variant Classification Criteria 13 December 2019. Collection method: clinical testing. Allele origin: germline.

Illumina Laboratory Services, Illumina
Classification: Likely benign for Idiopathic hypereosinophilic syndrome. Last evaluated: 2018-01-13. Review status: criteria provided, single submitter. Criteria: ICSL Variant Classification Criteria 13 December 2019. Collection method: clinical testing. Allele origin: germline.
Comment: This variant was observed in the ICSL laboratory as part of a predisposition screen in an ostensibly healthy population. It had not been previously curated by ICSL or reported in the Human Gene Mutation Database (HGMD: prior to June 1st, 2018), and was therefore a candidate for classification through an automated scoring system. Utilizing variant allele frequency, disease prevalence and penetrance estimates, and inheritance mode, an automated score was calculated to assess if this variant is too frequent to cause the disease. Based on the score and internal cut-off values, a variant classified as likely benign is not then subjected to further curation. The score for this variant resulted in a classification of likely benign for this disease.

NM_006206.6(PDGFRA):c.3191A>G (p.Asp1064Gly)

Gene: PDGFRA (platelet derived growth factor receptor alpha; plus strand). Cytogenetic location: 4q12.
Variant type: single nucleotide variant.
Coding change: c.3191A>G on transcript NM_006206.6 (MANE Select); coding-DNA position 3191, A replaced by G.
Protein change: p.Asp1064Gly; replaces aspartic acid 1064 with glycine.
Molecular consequence: missense variant.
Genome position (GRCh38, 1-based): chr4:54,295,193, A>G. VCF-style: chr4-54295193-A-G. GRCh37 (hg19) VCF-style: chr4-55161360-A-G.
Other names: c.3266A>G, p.Asp1089Gly (NM_001347828.2); c.3191A>G, p.Asp1064Gly (NM_001347829.2); c.3230A>G, p.Asp1077Gly (NM_001347830.2); short protein forms D1064G, D1077G, D1089G.
Identifiers: ClinVar variation 348908 (VCV000348908.22), dbSNP rs375050626, ClinGen allele CA2923054.
Genomic context (GRCh38, chr4:54,295,193, plus strand): 5'-CCTCTGAAGAGAGTGCCATTGAGACGGGTTCCAGCAGTTCCACCTTCATCAAGAGAGAGG[A>G]CGAGACCATTGAAGACATCGACATGATGGATGACATCGGCATAGACTCTTCAGACCTGGT-3'
Protein context (NP_006197.1, residues 1054-1074): SSSSTFIKRE[Asp1064Gly]ETIEDIDMMD